The following is an entry in ClinVar:

ClinVar aggregate classification (germline): Uncertain significance (1 of 4 stars; one submission).

Conditions:
Oligodontia-cancer predisposition syndrome. Also called: TOOTH AGENESIS-COLORECTAL CANCER SYNDROME. Identifiers: Orphanet 300576, MedGen C1837750, MONDO:0012075, OMIM 608615. Disease mechanism: loss of function.

Submission:

Labcorp Genetics (formerly Invitae), Labcorp
Classification: Uncertain significance for Oligodontia-cancer predisposition syndrome. Last evaluated: 2024-04-30. Review status: criteria provided, single submitter. Criteria: Invitae Variant Classification Sherloc (09022015). Collection method: clinical testing. Allele origin: germline.
Comment: This sequence change replaces methionine, which is neutral and non-polar, with isoleucine, which is neutral and non-polar, at codon 685 of the AXIN2 protein (p.Met685Ile). This variant is not present in population databases (gnomAD no frequency). This variant has not been reported in the literature in individuals affected with AXIN2-related conditions. ClinVar contains an entry for this variant (Variation ID: 858630). Advanced modeling of protein sequence and biophysical properties (such as structural, functional, and spatial information, amino acid conservation, physicochemical variation, residue mobility, and thermodynamic stability) performed at Invitae indicates that this missense variant is expected to disrupt AXIN2 protein function with a positive predictive value of 80%. In summary, the available evidence is currently insufficient to determine the role of this variant in disease. Therefore, it has been classified as a Variant of Uncertain Significance.

NM_004655.4(AXIN2):c.2055G>T (p.Met685Ile)

Gene: AXIN2 (axin 2; minus strand). Cytogenetic location: 17q24.1.
Variant type: single nucleotide variant.
Coding change: c.2055G>T on transcript NM_004655.4 (MANE Select); coding-DNA position 2055, G replaced by T.
Protein change: p.Met685Ile; replaces methionine 685 with isoleucine.
Molecular consequence: missense variant.
Genome position (GRCh38, 1-based): chr17:65,536,406, C>A on the plus strand (G>T on the coding strand, the complement: AXIN2 is on the minus strand). VCF-style: chr17-65536406-C-A. GRCh37 (hg19) VCF-style: chr17-63532524-C-A.
Other names: c.1860G>T, p.Met620Ile (NM_001363813.1); short protein forms M620I, M685I.
Identifiers: ClinVar variation 858630 (VCV000858630.10), dbSNP rs1047911557, ClinGen allele CA400676077.